The following is an entry in ClinVar:

NM_032638.5(GATA2):c.172C>T (p.Pro58Ser)

Gene: GATA2 (GATA binding protein 2; minus strand). Cytogenetic location: 3q21.3.
Variant type: single nucleotide variant.
Coding change: c.172C>T on transcript NM_032638.5 (MANE Select); coding-DNA position 172, C replaced by T.
Protein change: p.Pro58Ser; replaces proline 58 with serine.
Molecular consequence: missense variant.
Genome position (GRCh38, 1-based): chr3:128,486,860, G>A on the plus strand (C>T on the coding strand, the complement: GATA2 is on the minus strand). VCF-style: chr3-128486860-G-A. GRCh37 (hg19) VCF-style: chr3-128205703-G-A.
Other names: c.172C>T, p.Pro58Ser (NM_001145661.2, NM_001145662.1); short protein forms P58S.
Identifiers: ClinVar variation 954362 (VCV000954362.12), dbSNP rs2068708070, ClinGen allele CA354408479.
Genomic context (GRCh38, chr3:128,486,860, plus strand): 5'-CACCGTGCGCGGGGCTGTAGGAGACGCGCGCCCGCGCGTGAGCGGGGTTGGCATAGTAGG[G>A]GTTGCCCTGCGAGTCGAGGTGATTGAAGAAGACGTCCACCTCGTCTGGAGGCAGCAGCTG-3'
Protein context (NP_116027.2, residues 48-68): FFNHLDSQGN[Pro58Ser]YYANPAHARA

ClinVar aggregate classification (germline): Uncertain significance. Review status: criteria provided, multiple submitters, no conflicts (2 of 4 stars). 4 submissions from 4 submitters: Uncertain significance (4). Last evaluated 2024-12-03.

Conditions:
Inborn genetic diseases. Identifiers: MedGen C0950123, MeSH D030342.
Deafness-lymphedema-leukemia syndrome. Also called: Emberger syndrome; Lymphedema, primary, with myelodysplasia. Identifiers: Orphanet 3226, MedGen C3279664, MONDO:0013540, OMIM 614038.
Monocytopenia with susceptibility to infections. Also called: IMMUNODEFICIENCY 21; GATA2 DEFICIENCY; MONOCYTOPENIA AND MYCOBACTERIAL INFECTION SYNDROME; MONOCYTOPENIA WITH SUSCEPTIBILITY TO MYCOBACTERIAL, FUNGAL, AND PAPILLOMAVIRUS INFECTIONS AND MYELODYSPLASIA; COMBINED IMMUNODEFICIENCY WITH SUSCEPTIBILITY TO MYCOBACTERIAL, VIRAL, AND FUNGAL INFECTIONS; Dendritic cell, monocyte, B lymphocyte, and natural killer lymphocyte deficiency. Identifiers: Orphanet 228423, MedGen C3280030, MONDO:0013607, OMIM 614172.

Submissions (4):

GeneDx
Classification: Uncertain significance. Last evaluated: 2024-12-03. Review status: criteria provided, single submitter. Criteria: GeneDx Variant Classification Process June 2021. Collection method: clinical testing. Allele origin: germline. Affected: yes.
Comment: Not observed at significant frequency in large population cohorts (gnomAD); In silico analysis supports that this missense variant has a deleterious effect on protein structure/function; Has not been previously published as pathogenic or benign to our knowledge

Ambry Genetics
Classification: Uncertain significance for Inborn genetic diseases. Last evaluated: 2024-11-30. Review status: criteria provided, single submitter. Criteria: Ambry Variant Classification Scheme 2023. Collection method: clinical testing. Allele origin: germline.
Comment: The p.P58S variant (also known as c.172C>T), located in coding exon 1 of the GATA2 gene, results from a C to T substitution at nucleotide position 172. The proline at codon 58 is replaced by serine, an amino acid with similar properties. This amino acid position is conserved. In addition, this alteration is predicted to be deleterious by in silico analysis. Based on the available evidence, the clinical significance of this variant remains unclear.

Labcorp Genetics (formerly Invitae), Labcorp
Classification: Uncertain significance for Monocytopenia with susceptibility to infections; Deafness-lymphedema-leukemia syndrome. Last evaluated: 2023-06-16. Review status: criteria provided, single submitter. Criteria: Invitae Variant Classification Sherloc (09022015). Collection method: clinical testing. Allele origin: germline.
Comment: This sequence change replaces proline, which is neutral and non-polar, with serine, which is neutral and polar, at codon 58 of the GATA2 protein (p.Pro58Ser). This variant is not present in population databases (gnomAD no frequency). This variant has not been reported in the literature in individuals affected with GATA2-related conditions. ClinVar contains an entry for this variant (Variation ID: 954362). Advanced modeling of protein sequence and biophysical properties (such as structural, functional, and spatial information, amino acid conservation, physicochemical variation, residue mobility, and thermodynamic stability) performed at Invitae indicates that this missense variant is not expected to disrupt GATA2 protein function. In summary, the available evidence is currently insufficient to determine the role of this variant in disease. Therefore, it has been classified as a Variant of Uncertain Significance.

Blueprint Genetics
Classification: Uncertain significance. Last evaluated: 2022-07-17. Review status: criteria provided, single submitter. Criteria: ACMG Guidelines, 2015. Collection method: clinical testing. Allele origin: germline.